The following is an entry in ClinVar:

NM_005901.6(SMAD2):c.1295C>T (p.Thr432Ile)

Gene: SMAD2 (SMAD family member 2; minus strand). Cytogenetic location: 18q21.1.
Variant type: single nucleotide variant.
Coding change: c.1295C>T on transcript NM_005901.6 (MANE Select); coding-DNA position 1295, C replaced by T.
Protein change: p.Thr432Ile; replaces threonine 432 with isoleucine.
Molecular consequence: missense variant.
Genome position (GRCh38, 1-based): chr18:47,841,936, G>A on the plus strand (C>T on the coding strand, the complement: SMAD2 is on the minus strand). VCF-style: chr18-47841936-G-A. GRCh37 (hg19) VCF-style: chr18-45368307-G-A.
Other names: c.1295C>T, p.Thr432Ile (NM_001003652.4); c.1205C>T, p.Thr402Ile (NM_001135937.3); short protein forms T402I, T432I.
Identifiers: ClinVar variation 4742066 (VCV004742066.1).
Genomic context (GRCh38, chr18:47,841,936, plus strand): 5'-ACTTTGTCCAACCACTGTAGAGGTCCATTCAGATGAAGTTCAATCCAGCAAGGAGTACTT[G>A]TTACCGTCTGCCTTCTGTTTAAAAGAATACAGGAAAATGATTATGAAATTCAAGTCCACA-3'
Protein context (NP_005892.1, residues 422-442): WGAEYRRQTV[Thr432Ile]STPCWIELHL

ClinVar aggregate classification (germline): Uncertain significance (1 of 4 stars; one submission).

Submission:

Labcorp Genetics (formerly Invitae), Labcorp
Classification: Uncertain significance. Last evaluated: 2026-01-12. Review status: criteria provided, single submitter. Criteria: Invitae Variant Classification Sherloc (09022015). Collection method: clinical testing. Allele origin: germline.
Comment: This sequence change replaces threonine, which is neutral and polar, with isoleucine, which is neutral and non-polar, at codon 432 of the SMAD2 protein (p.Thr432Ile). This variant is not present in population databases (gnomAD no frequency). This variant has not been reported in the literature in individuals affected with SMAD2-related conditions. Invitae Evidence Modeling of protein sequence and biophysical properties (such as structural, functional, and spatial information, amino acid conservation, physicochemical variation, residue mobility, and thermodynamic stability) indicates that this missense variant is expected to disrupt SMAD2 protein function with a positive predictive value of 80%. In summary, the available evidence is currently insufficient to determine the role of this variant in disease. Therefore, it has been classified as a Variant of Uncertain Significance.